The following is an entry in ClinVar:

NM_000660.7(TGFB1):c.754G>A (p.Gly252Ser)

Gene: TGFB1 (transforming growth factor beta 1; minus strand). Cytogenetic location: 19q13.2.
Variant type: single nucleotide variant.
Coding change: c.754G>A on transcript NM_000660.7 (MANE Select); coding-DNA position 754, G replaced by A.
Protein change: p.Gly252Ser; replaces glycine 252 with serine.
Molecular consequence: missense variant.
Genome position (GRCh38, 1-based): chr19:41,341,989, C>T on the plus strand (G>A on the coding strand, the complement: TGFB1 is on the minus strand). VCF-style: chr19-41341989-C-T. GRCh37 (hg19) VCF-style: chr19-41847894-C-T.
Other names: short protein forms G252S.
Identifiers: ClinVar variation 2876363 (VCV002876363.3), dbSNP rs2038061009, ClinGen allele CA405999574.
Genomic context (GRCh38, chr19:41,341,989, plus strand): 5'-GCAGATGCTGGGCCCTCTCCAGCGGGGTGGCCATGAGAAGCAGGAAAGGCCGGTTCATGC[C>T]ATGAATGGTGGCCAGGTCACCTCGGCGGCCGGTAGTGAACCCTGCTTTGGTGTGGGAGTC-3'
Protein context (NP_000651.3, residues 242-262): GRRGDLATIH[Gly252Ser]MNRPFLLLMA

ClinVar aggregate classification (germline): Uncertain significance (1 of 4 stars; one submission).

Allele frequency attached by ClinVar (database versions not stated): gnomAD 0.00001.
gnomAD v4.1: 1 of 1,614,096 alleles (0.000062%); highest among the groups gnomAD compares: Non-Finnish European, 0.000085%; no homozygotes.

Submission:

Labcorp Genetics (formerly Invitae), Labcorp
Classification: Uncertain significance. Last evaluated: 2025-06-12. Review status: criteria provided, single submitter. Criteria: Invitae Variant Classification Sherloc (09022015). Collection method: clinical testing. Allele origin: germline.
Comment: This sequence change replaces glycine, which is neutral and non-polar, with serine, which is neutral and polar, at codon 252 of the TGFB1 protein (p.Gly252Ser). This variant is not present in population databases (gnomAD no frequency). This variant has not been reported in the literature in individuals affected with TGFB1-related conditions. ClinVar contains an entry for this variant (Variation ID: 2876363). Invitae Evidence Modeling of protein sequence and biophysical properties (such as structural, functional, and spatial information, amino acid conservation, physicochemical variation, residue mobility, and thermodynamic stability) indicates that this missense variant is not expected to disrupt TGFB1 protein function with a negative predictive value of 80%. In summary, the available evidence is currently insufficient to determine the role of this variant in disease. Therefore, it has been classified as a Variant of Uncertain Significance.